The following is an entry in ClinVar:

ClinVar aggregate classification (germline): Uncertain significance. Review status: criteria provided, multiple submitters, no conflicts (2 of 4 stars). 2 submissions from 2 submitters: Uncertain significance (2). Last evaluated 2024-01-03.

Conditions:
Inborn genetic diseases. Identifiers: MedGen C0950123, MeSH D030342.
Mitochondrial hypertrophic cardiomyopathy with lactic acidosis due to MTO1 deficiency. Also called: Combined oxidative phosphorylation deficiency 10; CARDIOMYOPATHY, INFANTILE HYPERTROPHIC MITOCHONDRIAL, AND LACTIC ACIDOSIS. Identifiers: Orphanet 314637, MedGen C4749921, MONDO:0013865, OMIM 614702.

Allele frequency attached by ClinVar (database versions not stated): gnomAD exomes below 0.00001 and 0.00001; ExAC 0.00001; gnomAD 0.00003; TOPMed 0.00003.
gnomAD v4.1: 24 of 1,613,592 alleles (0.0015%); highest among the groups gnomAD compares: Admixed American, 0.0067%; no homozygotes.

Submissions (2):

Ambry Genetics
Classification: Uncertain significance for Inborn genetic diseases. Last evaluated: 2024-01-03. Review status: criteria provided, single submitter. Criteria: Ambry Variant Classification Scheme 2023. Collection method: clinical testing. Allele origin: germline.

Labcorp Genetics (formerly Invitae), Labcorp
Classification: Uncertain significance for Mitochondrial hypertrophic cardiomyopathy with lactic acidosis due to MTO1 deficiency. Last evaluated: 2021-08-31. Review status: criteria provided, single submitter. Criteria: Invitae Variant Classification Sherloc (09022015). Collection method: clinical testing. Allele origin: germline.
Comment: This sequence change replaces threonine with serine at codon 573 of the MTO1 protein (p.Thr573Ser). The threonine residue is weakly conserved and there is a small physicochemical difference between threonine and serine. This variant is present in population databases (rs774500449, ExAC 0.002%). This variant has not been reported in the literature in individuals affected with MTO1-related conditions. Algorithms developed to predict the effect of missense changes on protein structure and function output the following: SIFT: "Tolerated"; PolyPhen-2: "Benign"; Align-GVGD: "Class C0". The serine amino acid residue is found in multiple mammalian species, which suggests that this missense change does not adversely affect protein function. In summary, the available evidence is currently insufficient to determine the role of this variant in disease. Therefore, it has been classified as a Variant of Uncertain Significance.

NM_012123.4(MTO1):c.1717A>T (p.Thr573Ser)

Gene: MTO1 (mitochondrial tRNA translation optimization 1; plus strand). Cytogenetic location: 6q13.
Variant type: single nucleotide variant.
Coding change: c.1717A>T on transcript NM_012123.4 (MANE Select); coding-DNA position 1717, A replaced by T.
Protein change: p.Thr573Ser; replaces threonine 573 with serine.
Molecular consequence: missense variant.
Genome position (GRCh38, 1-based): chr6:73,492,313, A>T. VCF-style: chr6-73492313-A-T. GRCh37 (hg19) VCF-style: chr6-74202036-A-T.
Other names: c.1837A>T, p.Thr613Ser (NM_001123226.2); c.1792A>T, p.Thr598Ser (NM_133645.3); c.1837A>T (NM_001123226.1); short protein forms T573S, T598S, T613S.
Identifiers: ClinVar variation 240848 (VCV000240848.6), dbSNP rs774500449, ClinGen allele CA3889739.
Genomic context (GRCh38, chr6:73,492,313, plus strand): 5'-TATGAGGAAGTTGACATGGATTCATTAGCCAAGGCTGTTCCAGAGCCCTTGAAGAAGTAT[A>T]CTAAATGTAGAGAGCTGGCTGAAAGACTGAAAATAGAAGGTAGAAAATAATTTTTGACTT-3'
Protein context (NP_036255.2, residues 563-583): KAVPEPLKKY[Thr573Ser]KCRELAERLK